The following is an entry in ClinVar:

ClinVar aggregate classification (germline): Pathogenic (1 of 4 stars; one submission).

Conditions:
Congenital disorder of glycosylation type 1E (CDG1E). Also called: CONGENITAL DISORDER OF GLYCOSYLATION, TYPE Ie; CDG Ie. Identifiers: Orphanet 79322, MedGen C1837396, MONDO:0012123, OMIM 608799.

Allele frequency attached by ClinVar (database versions not stated): gnomAD exomes below 0.00001; TOPMed below 0.00001; ExAC 0.00001; gnomAD 0.00001.

Submission:

Labcorp Genetics (formerly Invitae), Labcorp
Classification: Pathogenic for Congenital disorder of glycosylation type 1E. Last evaluated: 2023-11-04. Review status: criteria provided, single submitter. Criteria: Invitae Variant Classification Sherloc (09022015). Collection method: clinical testing. Allele origin: germline.
Comment: This sequence change creates a premature translational stop signal (p.Ile61Lysfs*3) in the DPM1 gene. It is expected to result in an absent or disrupted protein product. Loss-of-function variants in DPM1 are known to be pathogenic (PMID: 10642597, 10642602). This variant is not present in population databases (gnomAD no frequency). This variant has not been reported in the literature in individuals affected with DPM1-related conditions. For these reasons, this variant has been classified as Pathogenic.

Literature cited by the submitters: PubMed 10642597; PubMed 10642602.

NM_003859.3(DPM1):c.182del (p.Ile61fs)

Gene: DPM1 (dolichyl-phosphate mannosyltransferase subunit 1, catalytic; minus strand). Cytogenetic location: 20q13.13.
Variant type: Deletion.
Coding change: c.182del on transcript NM_003859.3 (MANE Select); coding-DNA position 182, one base deleted (T; older notation c.182delT).
Protein change: p.Ile61fs; shifts the reading frame from isoleucine 61.
Molecular consequence: frameshift variant. On other transcripts: non-coding transcript variant (1).
Genome position (GRCh38, 1-based): chr20:50,955,265, A deleted on the plus strand (T on the coding strand, the reverse complement: DPM1 is on the minus strand). VCF-style (leftmost placement, unchanged base first): chr20-50955264-TA-T. GRCh37 (hg19) VCF-style: chr20-49571801-TA-T.
Other names: c.182del, p.Ile61fs (NM_001317034.1, NM_001317035.1, NM_001317036.1); short protein forms I61fs.
Identifiers: ClinVar variation 2712030 (VCV002712030.3), dbSNP rs777816615, ClinGen allele CA9909198.